The following is an entry in ClinVar:

ClinVar aggregate classification (germline): Conflicting classifications of pathogenicity. Review status: criteria provided, conflicting classifications (1 of 4 stars). 3 submissions from 3 submitters: Uncertain significance (2); Benign (1). Last evaluated 2025-12-01.

Conditions:
Long QT syndrome (LQTS). Identifiers: MedGen C0023976, MeSH D008133, MONDO:0002442. Disease mechanism: loss of function. Inheritance: Various modes of inheritance.
Cardiovascular phenotype. Identifiers: MedGen CN230736.
Long QT syndrome 11 (LQT11). Identifiers: Orphanet 101016, Orphanet 768, MedGen C2678483, MONDO:0012738, OMIM 611820.

Allele frequency attached by ClinVar (database versions not stated): gnomAD 0.00002; TOPMed 0.00002; gnomAD exomes 0.00005 and 0.00006; ExAC 0.00006.
gnomAD v4.1: 84 of 1,613,902 alleles (0.0052%); highest among the groups gnomAD compares: Non-Finnish European, 0.0058%; no homozygotes.

Submissions (3):

Labcorp Genetics (formerly Invitae), Labcorp
Classification: Uncertain significance for Long QT syndrome. Last evaluated: 2025-12-01. Review status: criteria provided, single submitter. Criteria: Invitae Variant Classification Sherloc (09022015). Collection method: clinical testing. Allele origin: germline.
Comment: This sequence change replaces valine, which is neutral and non-polar, with isoleucine, which is neutral and non-polar, at codon 183 of the AKAP9 protein (p.Val183Ile). This variant is present in population databases (rs750921440, gnomAD 0.009%). This missense change has been observed in individual(s) with sudden unexplained death (PMID: 29247119). ClinVar contains an entry for this variant (Variation ID: 648320). An algorithm developed to predict the effect of missense changes on protein structure and function (PolyPhen-2) suggests that this variant is likely to be tolerated. In summary, the available evidence is currently insufficient to determine the role of this variant in disease. Therefore, it has been classified as a Variant of Uncertain Significance.

Ambry Genetics
Classification: Benign for Cardiovascular phenotype. Last evaluated: 2024-08-20. Review status: criteria provided, single submitter. Criteria: Ambry Variant Classification Scheme 2023. Collection method: clinical testing. Allele origin: germline.

Fulgent Genetics
Classification: Uncertain significance for Long QT syndrome 11. Last evaluated: 2021-10-12. Review status: criteria provided, single submitter. Criteria: ACMG Guidelines, 2015. Collection method: clinical testing. Allele origin: unknown.

Literature cited by the submitters: PubMed 29247119 (cited by Labcorp Genetics (formerly Invitae), Labcorp).

NM_005751.5(AKAP9):c.547G>A (p.Val183Ile)

Gene: AKAP9 (A-kinase anchoring protein 9; plus strand). Cytogenetic location: 7q21.2.
Variant type: single nucleotide variant.
Coding change: c.547G>A on transcript NM_005751.5 (MANE Select); coding-DNA position 547, G replaced by A.
Protein change: p.Val183Ile; replaces valine 183 with isoleucine.
Molecular consequence: missense variant.
Genome position (GRCh38, 1-based): chr7:91,993,026, G>A. VCF-style: chr7-91993026-G-A. GRCh37 (hg19) VCF-style: chr7-91622340-G-A.
Other names: c.547G>A, p.Val183Ile (NM_147185.3); short protein forms V183I.
Identifiers: ClinVar variation 648320 (VCV000648320.8), dbSNP rs750921440, ClinGen allele CA4335838.